The following is an entry in ClinVar:

ClinVar aggregate classification (germline): Uncertain significance. Review status: criteria provided, multiple submitters, no conflicts (2 of 4 stars). 2 submissions from 2 submitters: Uncertain significance (2). Last evaluated 2024-03-06.

Conditions:
Hypertrophic cardiomyopathy 8. Also called: MYL3-Related Familial Hypertrophic Cardiomyopathy; CARDIOMYOPATHY, HYPERTROPHIC, MID-LEFT VENTRICULAR CHAMBER TYPE, 1. Identifiers: MedGen C1837471, MONDO:0012111, OMIM 608751.
Cardiomyopathy (CMYO). Also called: Cardiomyopathies. Identifiers: Orphanet 167848, MedGen C0878544, MONDO:0004994, HP:0001638. Inheritance: Various modes of inheritance.

Submissions (2):

Color Diagnostics, LLC DBA Color Health
Classification: Uncertain significance for Cardiomyopathy. Last evaluated: 2024-03-06. Review status: criteria provided, single submitter. Criteria: ACMG Guidelines, 2015. Collection method: clinical testing. Allele origin: germline.
Comment: This missense variant replaces proline with alanine at codon 27 of the MYL3 protein. Computational prediction suggests that this variant may not impact protein structure and function (internally defined REVEL score threshold <= 0.5, PMID: 27666373). Splice site prediction tools suggest that this variant may not impact RNA splicing. To our knowledge, functional studies have not been performed for this variant. This variant has not been reported in individuals affected with cardiovascular disorders in the literature. This variant has not been identified in the general population by the Genome Aggregation Database (gnomAD). The available evidence is insufficient to determine the role of this variant in disease conclusively. Therefore, this variant is classified as a Variant of Uncertain Significance.

Fulgent Genetics
Classification: Uncertain significance for Hypertrophic cardiomyopathy 8. Last evaluated: 2021-10-29. Review status: criteria provided, single submitter. Criteria: ACMG Guidelines, 2015. Collection method: clinical testing. Allele origin: unknown.

NM_000258.3(MYL3):c.79C>G (p.Pro27Ala)

Gene: MYL3 (myosin light chain 3; minus strand). Cytogenetic location: 3p21.31.
Variant type: single nucleotide variant.
Coding change: c.79C>G on transcript NM_000258.3 (MANE Select); coding-DNA position 79, C replaced by G.
Protein change: p.Pro27Ala; replaces proline 27 with alanine.
Molecular consequence: missense variant.
Genome position (GRCh38, 1-based): chr3:46,863,312, G>C on the plus strand (C>G on the coding strand, the complement: MYL3 is on the minus strand). VCF-style: chr3-46863312-G-C. GRCh37 (hg19) VCF-style: chr3-46904802-G-C.
Other names: short protein forms P27A.
Identifiers: ClinVar variation 919393 (VCV000919393.5), dbSNP rs1248338056, ClinGen allele CA352499655.